The following is an entry in ClinVar:

ClinVar aggregate classification (germline): Benign. Review status: criteria provided, multiple submitters, no conflicts (2 of 4 stars). 7 submissions from 7 submitters: Benign (6). 1 of the submissions does not count toward it. Last evaluated 2026-02-03.

Conditions:
Epidermolysis bullosa simplex, Ogna type (EBS5A). Also called: Pidermolysis bullosa simplex 5A, Ogna type; EPIDERMOLYSIS BULLOSA SIMPLEX 5A, OGNA TYPE. Identifiers: Orphanet 79401, MedGen C0432317, MONDO:0007555, OMIM 131950.
Autosomal recessive limb-girdle muscular dystrophy type 2Q (LGMDR17). Also called: MUSCULAR DYSTROPHY, LIMB-GIRDLE, AUTOSOMAL RECESSIVE 17. Identifiers: Orphanet 254361, MedGen C3150989, MONDO:0013390, OMIM 613723.
Epidermolysis bullosa simplex 5C, with pyloric atresia (EBS5C). Also called: PLEC-Related Epidermolysis Bullosa with Pyloric Atresia; Epidermolysis bullosa simplex with pyloric atresia; PLEC1-Related Epidermolysis Bullosa with Pyloric Atresia. Identifiers: Orphanet 158684, MedGen C2677349, MONDO:0012807, OMIM 612138.
Epidermolysis bullosa simplex with nail dystrophy (EBS5D). Identifiers: MedGen C4225309, MONDO:0014661, OMIM 616487.
Epidermolysis bullosa simplex 5B, with muscular dystrophy (EBS5B). Also called: EPIDERMOLYSIS BULLOSA SIMPLEX AND LIMB-GIRDLE MUSCULAR DYSTROPHY; Epidermolysis bullosa simplex with muscular dystrophy. Identifiers: Orphanet 257, MedGen C2931072, MONDO:0009181, OMIM 226670.

Allele frequency attached by ClinVar (database versions not stated): gnomAD 0.05741 and 0.06068; gnomAD exomes 0.06840 and 0.08196; 1000 Genomes Project 0.07448; 1000 Genomes Project 30x 0.07448; ExAC 0.08152; ESP Exome Variant Server 0.04473; TOPMed 0.05368.

Submissions (7):

Labcorp Genetics (formerly Invitae), Labcorp
Classification: Benign for Autosomal recessive limb-girdle muscular dystrophy type 2Q; Epidermolysis bullosa simplex, Ogna type; Epidermolysis bullosa simplex with nail dystrophy; Epidermolysis bullosa simplex 5C, with pyloric atresia; Epidermolysis bullosa simplex 5B, with muscular dystrophy. Last evaluated: 2026-02-03. Review status: criteria provided, single submitter. Criteria: Invitae Variant Classification Sherloc (09022015). Collection method: clinical testing. Allele origin: germline.

Mayo Clinic Laboratories, Mayo Clinic
Classification: Benign. Last evaluated: 2017-10-04. Review status: criteria provided, single submitter. Criteria: ACMG Guidelines, 2015. Collection method: clinical testing. Allele origin: germline. Observed: 182 variant alleles.

GeneDx
Classification: Benign. Last evaluated: 2016-03-04. Review status: criteria provided, single submitter. Criteria: GeneDx Variant Classification (06012015). Collection method: clinical testing. Allele origin: germline. Affected: yes.
Comment: This variant is considered likely benign or benign based on one or more of the following criteria: it is a conservative change, it occurs at a poorly conserved position in the protein, it is predicted to be benign by multiple in silico algorithms, and/or has population frequency not consistent with disease.

Laboratory for Molecular Medicine, Mass General Brigham Personalized Medicine
Classification: Benign. Last evaluated: 2015-01-13. Review status: criteria provided, single submitter. Criteria: LMM Criteria. Collection method: clinical testing. Allele origin: germline. Observed: 2 variant alleles.
Comment: p.Leu2763Leu in exon 32 of PLEC: This variant is not expected to have clinical s ignificance because it does not alter an amino acid residue and is not located w ithin the splice consensus sequence. It has been identified in 5.9% (487/8260) o f European American chromosomes from a broad population by the NHLBI Exome Seque ncing Project (dbSNP rs34803322).

Eurofins Ntd Llc (ga)
Classification: Benign. Last evaluated: 2013-04-22. Review status: criteria provided, single submitter. Criteria: EGL Classification Definitions 2015. Collection method: clinical testing. Allele origin: germline. Observed: 2 variant alleles, 2 heterozygotes.

Breakthrough Genomics
Classification: Benign. Review status: criteria provided, single submitter. Criteria: ACMG Guidelines, 2015. Collection method: not provided. Allele origin: germline. Inheritance: Autosomal recessive inheritance. Affected: yes.

Genetic Services Laboratory, University of Chicago
Classification: Likely benign for AllHighlyPenetrant. Review status: no assertion criteria provided. Collection method: clinical testing. Allele origin: germline. Inheritance: Autosomal recessive inheritance. Not counted in ClinVar's aggregate classification.
Comment: Likely benign based on allele frequency in 1000 Genomes Project or ESP global frequency and its presence in a patient with a rare or unrelated disease phenotype. NOT Sanger confirmed.

NM_201384.3(PLEC):c.7878G>A (p.Leu2626=)

Gene: PLEC (plectin; minus strand). Cytogenetic location: 8q24.3.
Variant type: single nucleotide variant.
Coding change: c.7878G>A on transcript NM_201384.3 (MANE Select); coding-DNA position 7878, G replaced by A.
Protein change: p.Leu2626=; no amino-acid change (leucine 2626 retained).
Molecular consequence: synonymous variant.
Genome position (GRCh38, 1-based): chr8:143,921,943, C>T on the plus strand (G>A on the coding strand, the complement: PLEC is on the minus strand). VCF-style: chr8-143921943-C-T. GRCh37 (hg19) VCF-style: chr8-144996111-C-T.
Other names: p.Leu2612=; c.7959G>A, p.Leu2653= (NM_000445.5); c.7836G>A, p.Leu2612= (NM_201378.4); c.7812G>A, p.Leu2604= (NM_201379.3); c.8289G>A, p.Leu2763= (NM_201380.4); c.7782G>A, p.Leu2594= (NM_201381.3); c.7878G>A, p.Leu2626= (NM_201382.4); c.7890G>A, p.Leu2630= (NM_201383.3).
Identifiers: ClinVar variation 93080 (VCV000093080.23), dbSNP rs34803322, ClinGen allele CA146554.